The following is an entry in ClinVar:

NM_001377.3(DYNC2H1):c.11667T>G (p.Tyr3889Ter)

Gene: DYNC2H1 (dynein cytoplasmic 2 heavy chain 1; plus strand). Cytogenetic location: 11q22.3.
Variant type: single nucleotide variant.
Coding change: c.11667T>G on transcript NM_001377.3 (MANE Select); coding-DNA position 11667, T replaced by G.
Protein change: p.Tyr3889Ter; replaces tyrosine 3889 with a stop codon.
Molecular consequence: nonsense.
Genome position (GRCh38, 1-based): chr11:103,316,562, T>G. VCF-style: chr11-103316562-T-G. GRCh37 (hg19) VCF-style: chr11-103187291-T-G.
Other names: c.11688T>G, p.Tyr3896Ter (NM_001080463.2); short protein forms Y3896*, Y3889*.
Identifiers: ClinVar variation 2887758 (VCV002887758.4), dbSNP rs1937856263, ClinGen allele CA382266372.
Genomic context (GRCh38, chr11:103,316,562, plus strand): 5'-ACTACTGCTTAGTTGTTTACTTAAAAAAATTGTTTTTTGACAGGGTTGGACAAAGTTTTA[T>G]GAATTTTCTTTATCAGATCTTCGGGCTGGGTACAACATTATTGACAGACTTTTTGATGGT-3'

ClinVar aggregate classification (germline): Pathogenic. Review status: criteria provided, multiple submitters, no conflicts (2 of 4 stars). 2 submissions from 2 submitters: Pathogenic (2). Last evaluated 2024-05-08.

Conditions:
Jeune thoracic dystrophy. Also called: Jeune syndrome; Infantile thoracic dystrophy; Thoracic pelvic phalangeal dystrophy; Jeune's syndrome; Chondroectodermal dysplasia-like syndrome; Short-rib thoracic dysplasia. Identifiers: Orphanet 474, MedGen C0265275, MONDO:0018770.
Asphyxiating thoracic dystrophy 3. Also called: SHORT-RIB THORACIC DYSPLASIA 3 WITH OR WITHOUT POLYDACTYLY; POLYDACTYLY WITH NEONATAL CHONDRODYSTROPHY, TYPE I; SHORT-RIB THORACIC DYSPLASIA 3/6 WITH POLYDACTYLY, DIGENIC; Short rib polydactyly syndrome 2B; Saldino-Noonan Syndrome. Identifiers: Orphanet 474, Orphanet 93269, Orphanet 93270, Orphanet 93271, MedGen C0036069, MONDO:0013127, OMIM 613091.

Submissions (2):

Myriad Genetics, Inc.
Classification: Pathogenic for Asphyxiating thoracic dystrophy 3. Last evaluated: 2024-05-08. Review status: criteria provided, single submitter. Criteria: Myriad Autosomal Dominant, Autosomal Recessive and X-Linked Classification Criteria (2023). Collection method: clinical testing. Allele origin: unknown.
Comment: NM_001377.2(DYNC2H1):c.11667T>G(Y3889*) is expected to be pathogenic in the context of DYNC2H1-related disorders. This variant is predicted to lead to an abnormal or absent protein product due to the creation of a premature termination codon in DYNC2H1, a gene where loss-of-function variants are known to be pathogenic. Please note: this variant was assessed in the context of healthy population screening.

Labcorp Genetics (formerly Invitae), Labcorp
Classification: Pathogenic for Jeune thoracic dystrophy. Last evaluated: 2023-06-23. Review status: criteria provided, single submitter. Criteria: Invitae Variant Classification Sherloc (09022015). Collection method: clinical testing. Allele origin: germline.
Comment: For these reasons, this variant has been classified as Pathogenic. This variant has not been reported in the literature in individuals affected with DYNC2H1-related conditions. This variant is not present in population databases (gnomAD no frequency). This sequence change creates a premature translational stop signal (p.Tyr3896*) in the DYNC2H1 gene. It is expected to result in an absent or disrupted protein product. Loss-of-function variants in DYNC2H1 are known to be pathogenic (PMID: 23339108, 32753734).

Literature cited by the submitters: PubMed 23339108 (cited by Labcorp Genetics (formerly Invitae), Labcorp); PubMed 32753734 (cited by Labcorp Genetics (formerly Invitae), Labcorp).